The following is an entry in ClinVar:

ClinVar aggregate classification (germline): Uncertain significance (1 of 4 stars; one submission).

Conditions:
Retinal dystrophy. Also called: Inherited retinal dystrophy. Identifiers: Orphanet 71862, MedGen C0854723, MeSH D058499, MONDO:0019118, HP:0000556.

gnomAD v4.1: 2 of 1,614,224 alleles (0.00012%); highest among the groups gnomAD compares: South Asian, 0.0022%; no homozygotes.

Submission:

Ophthalmic Genetics Group, Institute of Molecular and Clinical Ophthalmology Basel
Classification: Uncertain significance for Retinal dystrophy. Last evaluated: 2024-05-27. Review status: criteria provided, single submitter. Criteria: ACMG Guidelines, 2015. Collection method: research. Allele origin: germline. Affected: yes. Observed: 2 variant alleles.
Comment: This variant was classified as Uncertain significance based on ACMG criteria: PM2_sup, BP4_sup, and PP1_strong

Literature cited by the submitters: PubMed 40180963.

NM_006343.3(MERTK):c.985A>G (p.Asn329Asp)

Genes: MERTK (MER proto-oncogene, tyrosine kinase; plus strand), LOC112806037 (Sharpr-MPRA regulatory region 3720; plus strand). Cytogenetic location: 2q13.
Variant type: single nucleotide variant.
Coding change: c.985A>G on transcript NM_006343.3 (MANE Select); coding-DNA position 985, A replaced by G.
Protein change: p.Asn329Asp; replaces asparagine 329 with aspartic acid.
Molecular consequence: missense variant.
Genome position (GRCh38, 1-based): chr2:111,975,313, A>G. VCF-style: chr2-111975313-A-G. GRCh37 (hg19) VCF-style: chr2-112732890-A-G.
Other names: NC_000002.11:g.112732890A>G; NP_006334.2:p.(Asn329Asp); short protein forms N329D.
Identifiers: ClinVar variation 3381804 (VCV003381804.2).